The following is an entry in ClinVar:

NM_152443.3(RDH12):c.216T>G (p.Asp72Glu)

Genes: GPHN (gephyrin; plus strand), RDH12 (retinol dehydrogenase 12; plus strand). Cytogenetic location: 14q24.1.
Variant type: single nucleotide variant.
Coding change: c.216T>G on transcript NM_152443.3 (MANE Select); coding-DNA position 216, T replaced by G.
Protein change: p.Asp72Glu; replaces aspartic acid 72 with glutamic acid.
Molecular consequence: missense variant.
Genome position (GRCh38, 1-based): chr14:67,725,127, T>G. VCF-style: chr14-67725127-T-G. GRCh37 (hg19) VCF-style: chr14-68191844-T-G.
Other names: short protein forms D72E.
Identifiers: ClinVar variation 866465 (VCV000866465.5), dbSNP rs963233306, ClinGen allele CA390148538.
Genomic context (GRCh38, chr14:67,725,127, plus strand): 5'-AACATACTGCTCTTTTTTTGTCTTGGACCCAGGAGCCCGAGTCTATATTGCCTGCAGAGA[T>G]GTACTGAAGGGGGAGTCTGCTGCCAGTGAAATCCGAGTGGATACAAAGAACTCCCAGGTG-3'
Protein context (NP_689656.2, residues 62-82): RGARVYIACR[Asp72Glu]VLKGESAASE

ClinVar aggregate classification (germline): Uncertain significance. Review status: criteria provided, multiple submitters, no conflicts (2 of 4 stars). 2 submissions from 2 submitters: Uncertain significance (2). Last evaluated 2025-08-30.

Conditions:
Leber congenital amaurosis 13 (LCA13). Identifiers: MedGen C2675186, MONDO:0012990, OMIM 612712.

gnomAD v4.1: 1 of 1,614,166 alleles (0.000062%); highest among the groups gnomAD compares: Non-Finnish European, 0.000085%; no homozygotes.

Submissions (2):

Labcorp Genetics (formerly Invitae), Labcorp
Classification: Uncertain significance for Leber congenital amaurosis 13. Last evaluated: 2025-08-30. Review status: criteria provided, single submitter. Criteria: Invitae Variant Classification Sherloc (09022015). Collection method: clinical testing. Allele origin: germline.
Comment: This sequence change replaces aspartic acid, which is acidic and polar, with glutamic acid, which is acidic and polar, at codon 72 of the RDH12 protein (p.Asp72Glu). This variant is not present in population databases (gnomAD no frequency). This variant has not been reported in the literature in individuals affected with RDH12-related conditions. ClinVar contains an entry for this variant (Variation ID: 866465). Invitae Evidence Modeling of protein sequence and biophysical properties (such as structural, functional, and spatial information, amino acid conservation, physicochemical variation, residue mobility, and thermodynamic stability) has been performed for this missense variant. However, the output from this modeling did not meet the statistical confidence thresholds required to predict the impact of this variant on RDH12 protein function. In summary, the available evidence is currently insufficient to determine the role of this variant in disease. Therefore, it has been classified as a Variant of Uncertain Significance.

Blueprint Genetics
Classification: Uncertain significance. Last evaluated: 2017-10-17. Review status: criteria provided, single submitter. Criteria: ACMG Guidelines, 2015. Collection method: clinical testing. Allele origin: germline.